The following is an entry in ClinVar:

NM_024769.5(CLMP):c.963C>T (p.Asp321=)

Gene: CLMP (CXADR like cell adhesion molecule; minus strand). Cytogenetic location: 11q24.1.
Variant type: single nucleotide variant.
Coding change: c.963C>T on transcript NM_024769.5 (MANE Select); coding-DNA position 963, C replaced by T.
Protein change: p.Asp321=; no amino-acid change (aspartic acid 321 retained).
Molecular consequence: synonymous variant.
Genome position (GRCh38, 1-based): chr11:123,073,633, G>A on the plus strand (C>T on the coding strand, the complement: CLMP is on the minus strand). VCF-style: chr11-123073633-G-A. GRCh37 (hg19) VCF-style: chr11-122944341-G-A.
Identifiers: ClinVar variation 3044307 (VCV003044307.2), dbSNP rs199985664, ClinGen allele CA6332937.

ClinVar aggregate classification (germline): Likely benign (0 of 4 stars; one submission).

Conditions:
CLMP-related disorder. Also called: CLMP-related condition.

Allele frequency attached by ClinVar (database versions not stated): ExAC 0.00002; TOPMed 0.00006.
gnomAD v4.1: 57 of 1,614,232 alleles (0.0035%); highest among the groups gnomAD compares: Admixed American, 0.02%; no homozygotes.

Submission:

PreventionGenetics, part of Exact Sciences
Classification: Likely benign for CLMP-related condition. Last evaluated: 2019-06-05. Review status: no assertion criteria provided. Collection method: clinical testing. Allele origin: germline.
Comment: This variant is classified as likely benign based on ACMG/AMP sequence variant interpretation guidelines (Richards et al. 2015 PMID: 25741868, with internal and published modifications).